The following is an entry in ClinVar:

NC_000005.9:g.(?_73981057)_(73992932_74001043)del

Gene: HEXB (hexosaminidase subunit beta; plus strand). Cytogenetic location: 5q13.3.
Variant type: Deletion.
Identifiers: ClinVar variation 3366799 (VCV003366799.1).

ClinVar aggregate classification (germline): Pathogenic (1 of 4 stars; one submission).

Conditions:
Sandhoff disease. Also called: GM2-GANGLIOSIDOSIS, TYPE II; HEXOSAMINIDASES A AND B DEFICIENCY; Beta-hexosaminidase-beta-subunit deficiency; GM2 gangliosidosis, type 2; Total hexosaminidase deficiency; Sandhoff-Jatzkewitz-Pilz disease. Identifiers: Orphanet 796, MedGen C0036161, MONDO:0010006, OMIM 268800.

Submission:

Women's Health and Genetics/Laboratory Corporation of America, LabCorp
Classification: Pathogenic for Sandhoff disease. Last evaluated: 2024-08-14. Review status: criteria provided, single submitter. Criteria: LabCorp Variant Classification Summary - May 2015. Collection method: clinical testing. Allele origin: germline.
Comment: Variant summary: The variant involves the deletion of exons 1-5 in the HEXB gene. A presumed nomenclature of c.(?_-29)_(669+1_670-1)del has been designated for the purposes of this classification. The exact breakpoint at the 5' end of this variant is unknown, therefore this deletion may extend upstream of the annotated region of this gene. Although the exact breakpoints of this deletion are not known, it is predicted to remove the initiation codon and result in an absence of protein or a truncation of the encoded protein due to translation initiation at a downstream site. The variant allele was found at a frequency of 9.2e-05 in 21694 control chromosomes. c.(?_-29)_(669+1_670-1)del has been reported in the literature in at least one compound heterozygous individual affected with Sandhoff Disease (e.g. Chardon_2015, Zanetti_2020). These data suggests that this variant is likely associated with Sandhoff Disease. To our knowledge, no experimental evidence demonstrating an impact on protein function has been reported. The following publications have been ascertained in the context of this evaluation (PMID: 26769462, 32036093). ClinVar contains an entry for this variant (Variation ID: 527972, 644276, 583659). Based on the evidence outlined above, the variant was classified as pathogenic.

Literature cited by the submitters: PubMed 32036093; PubMed 26769462.